The following is an entry in ClinVar:

ClinVar aggregate classification (germline): Pathogenic. Review status: criteria provided, multiple submitters, no conflicts (2 of 4 stars). 2 submissions from 2 submitters: Pathogenic (2). Last evaluated 2024-12-23.

Conditions:
CDKL5 disorder. Identifiers: MedGen CN296942, MONDO:0100039.

Submissions (2):

Centre for Population Genomics, CPG
Classification: Pathogenic for CDKL5 disorder. Last evaluated: 2024-12-23. Review status: criteria provided, single submitter. Criteria: McKnight et al. (Hum Mutat. 2022). Collection method: curation. Allele origin: germline. Inheritance: X-linked inheritance.
Comment: This variant has been collected from RettBASE and curated to current modified ACMG/AMP criteria. Based on the classification scheme defined by the ClinGen Rett/Angelman-like Expert Panel for Rett/AS-like Disorders Specifications to the ACMG/AMP Variant Interpretation Guidelines VCEP 3.0, this variant is classified as pathogenic. At least the following criteria are met: Predicted to result in loss of function, and LOF is a known mechanism of disease (PVS1). This variant has been identified as a de novo occurrence in an individual with CDKL5 disorder without confirmation of paternity and maternity (PM6, PMID: 38874638). This variant is absent from gnomAD (PM2_Supporting).

CeGaT Center for Human Genetics Tuebingen
Classification: Pathogenic. Last evaluated: 2020-03-01. Review status: criteria provided, single submitter. Criteria: CeGaT Center For Human Genetics Tuebingen Variant Classification Criteria Version 2. Collection method: clinical testing. Allele origin: germline. Affected: yes. Observed: 1 variant allele.

NM_001323289.2(CDKL5):c.2432del (p.Ala811fs)

Gene: CDKL5 (cyclin dependent kinase like 5; plus strand). Cytogenetic location: Xp22.13.
Variant type: Deletion.
Coding change: c.2432del on transcript NM_001323289.2 (MANE Select); coding-DNA position 2432, one base deleted (C; older notation c.2432delC).
Protein change: p.Ala811fs; shifts the reading frame from alanine 811.
Molecular consequence: frameshift variant.
Genome position (GRCh38, 1-based): chrX:18,625,183, C deleted. VCF-style (leftmost placement, unchanged base first): chrX-18625182-GC-G. GRCh37 (hg19) VCF-style: chrX-18643302-GC-G.
Other names: NM_001323289.2(CDKL5):c.2432del; p.Ala811fs; c.2432del, p.Ala811fs (NM_001037343.2, NM_003159.3); short protein forms A811fs.
Identifiers: ClinVar variation 916505 (VCV000916505.40), dbSNP rs1927001903, ClinGen allele CA1139667258.
Genomic context (GRCh38, chrX:18,625,182, plus strand): 5'-CTCTAGGTACCCAATTCCGACAGCCCTGATCTTCTGACGTTGCAGAAATCCATTCATTCT[GC>G]TAGCACTCCAAGCAGCAGACCAAAGGAGTGGCGCCCCGAGAAGATCTCAGATCTGCAGAC-3'